The following is an entry in ClinVar:

ClinVar aggregate classification (germline): Conflicting classifications of pathogenicity. Review status: criteria provided, conflicting classifications (1 of 4 stars). 3 submissions from 3 submitters: Likely pathogenic (2); Uncertain significance (1). Last evaluated 2025-08-05.

Conditions:
Pyridoxine-dependent epilepsy (EPEO4). Also called: Pyridoxine-Dependent Seizures; PYRIDOXINE DEPENDENCY WITH SEIZURES; EPILEPSY, EARLY-ONSET, 4, VITAMIN B6-DEPENDENT; Pyridoxine-Dependent Epilepsy - ALDH7A1. Identifiers: Orphanet 3006, MedGen C1849508, MONDO:0009945, OMIM 266100. Disease mechanism: loss of function.

Allele frequency attached by ClinVar (database versions not stated): gnomAD exomes below 0.00001.

Submissions (3):

Unidad de Genómica Garrahan, Hospital de Pediatría Garrahan
Classification: Likely pathogenic for Pyridoxine-dependent epilepsy. Last evaluated: 2025-08-05. Review status: criteria provided, single submitter. Criteria: ACMG Guidelines, 2015. Collection method: clinical testing. Allele origin: germline. Affected: yes.
Comment: Extremely low frequency in gnomAD population databases (PM2_sup). Computational prediction tools support a deleterious effect on the gene (PP3_mod). Variant is located in a mutational hotspot (PM1_mod). ClinVar classifies this variant as Uncertain Significance but a high confidence submitter has classified as Likely Pathogenic (PP5_sup). Patient's phenotype is highly specific for a disease with a single genetic etiology (PP4_sup).

GeneDx
Classification: Likely pathogenic. Last evaluated: 2024-06-24. Review status: criteria provided, single submitter. Criteria: GeneDx Variant Classification Process June 2021. Collection method: clinical testing. Allele origin: germline. Affected: yes.
Comment: Not observed at significant frequency in large population cohorts (gnomAD); In silico analysis supports that this missense variant has a deleterious effect on protein structure/function; Has not been previously published as pathogenic or benign to our knowledge

Labcorp Genetics (formerly Invitae), Labcorp
Classification: Uncertain significance for Pyridoxine-dependent epilepsy. Last evaluated: 2024-02-24. Review status: criteria provided, single submitter. Criteria: Invitae Variant Classification Sherloc (09022015). Collection method: clinical testing. Allele origin: germline.
Comment: This sequence change replaces glycine, which is neutral and non-polar, with serine, which is neutral and polar, at codon 327 of the ALDH7A1 protein (p.Gly327Ser). This variant is not present in population databases (gnomAD no frequency). This variant has not been reported in the literature in individuals affected with ALDH7A1-related conditions. ClinVar contains an entry for this variant (Variation ID: 449297). Advanced modeling of protein sequence and biophysical properties (such as structural, functional, and spatial information, amino acid conservation, physicochemical variation, residue mobility, and thermodynamic stability) performed at Invitae indicates that this missense variant is expected to disrupt ALDH7A1 protein function with a positive predictive value of 95%. In summary, the available evidence is currently insufficient to determine the role of this variant in disease. Therefore, it has been classified as a Variant of Uncertain Significance.

NM_001182.5(ALDH7A1):c.979G>A (p.Gly327Ser)

Gene: ALDH7A1 (aldehyde dehydrogenase 7 family member A1; minus strand). Cytogenetic location: 5q23.2.
Variant type: single nucleotide variant.
Coding change: c.979G>A on transcript NM_001182.5 (MANE Select); coding-DNA position 979, G replaced by A.
Protein change: p.Gly327Ser; replaces glycine 327 with serine.
Molecular consequence: missense variant.
Genome position (GRCh38, 1-based): chr5:126,559,269, C>T on the plus strand (G>A on the coding strand, the complement: ALDH7A1 is on the minus strand). VCF-style: chr5-126559269-C-T. GRCh37 (hg19) VCF-style: chr5-125894961-C-T.
Other names: c.895G>A, p.Gly299Ser (NM_001201377.2); c.979G>A, p.Gly327Ser (NM_001202404.2); short protein forms G327S, G299S.
Identifiers: ClinVar variation 449297 (VCV000449297.13), dbSNP rs1554099008, ClinGen allele CA360726662.